The following is an entry in ClinVar:

NM_017590.6(ZC3H7B):c.216C>T (p.Asp72=)

Gene: ZC3H7B (zinc finger CCCH-type containing 7B; plus strand). Cytogenetic location: 22q13.2.
Variant type: single nucleotide variant.
Coding change: c.216C>T on transcript NM_017590.6 (MANE Select); coding-DNA position 216, C replaced by T.
Protein change: p.Asp72=; no amino-acid change (aspartic acid 72 retained).
Molecular consequence: synonymous variant.
Genome position (GRCh38, 1-based): chr22:41,325,849, C>T. VCF-style: chr22-41325849-C-T. GRCh37 (hg19) VCF-style: chr22-41721853-C-T.
Identifiers: ClinVar variation 2653226 (VCV002653226.24), dbSNP rs151077891, ClinGen allele CA10255847.

ClinVar aggregate classification (germline): Likely benign (1 of 4 stars; one submission).

Allele frequency attached by ClinVar (database versions not stated): 1000 Genomes Project 0.00100; 1000 Genomes Project 30x 0.00125; ESP Exome Variant Server 0.00384; TOPMed 0.00390; gnomAD 0.00409; gnomAD exomes 0.00479; ExAC 0.00489.
gnomAD v4.1: 7,706 of 1,612,670 alleles (0.48%); highest among the groups gnomAD compares: Middle Eastern, 3.3%; 52 homozygotes.

Submission:

CeGaT Center for Human Genetics Tuebingen
Classification: Likely benign. Last evaluated: 2023-05-01. Review status: criteria provided, single submitter. Criteria: CeGaT Center For Human Genetics Tuebingen Variant Classification Criteria Version 2. Collection method: clinical testing. Allele origin: germline. Affected: yes. Observed: 1 variant allele.
Comment: ZC3H7B: BP4, BP7, BS2